The following is an entry in ClinVar:

ClinVar aggregate classification (germline): Pathogenic/Likely pathogenic. Review status: criteria provided, multiple submitters, no conflicts (2 of 4 stars). 4 submissions from 4 submitters: Pathogenic (1); Likely pathogenic (3). Last evaluated 2025-06-26.

Conditions:
Glycogen storage disease, type V (GSD5). Also called: MCARDLE DISEASE; MUSCLE GLYCOGEN PHOSPHORYLASE DEFICIENCY; MYOPHOSPHORYLASE DEFICIENCY; PYGM DEFICIENCY; McArdle type glycogen storage disease. Identifiers: Orphanet 368, MedGen C0017924, MONDO:0009293, OMIM 232600.

Submissions (4):

Natera, Inc.
Classification: Likely pathogenic for Glycogen storage disease V. Last evaluated: 2025-06-26. Review status: criteria provided, single submitter. Criteria: Natera Variant Classification Schema (03/2026). Collection method: clinical testing. Allele origin: germline.
Comment: The c.2259dupC variant in PYGM is a frameshift variant predicted to shift the reading frame beginning at codon 754 and leads to a stop codon 17 codons downstream. This variant is expected to result in nonsense mediated decay, truncation, or a dysfunctional protein product. This variant is rare in the general population with a frequency below the threshold expected for the associated phenotype(s). Given the available evidence, this variant is classified as Likely Pathogenic.

Labcorp Genetics (formerly Invitae), Labcorp
Classification: Pathogenic for Glycogen storage disease, type V. Last evaluated: 2025-06-16. Review status: criteria provided, single submitter. Criteria: Invitae Variant Classification Sherloc (09022015). Collection method: clinical testing. Allele origin: germline.
Comment: This sequence change creates a premature translational stop signal (p.Lys754Glnfs*17) in the PYGM gene. It is expected to result in an absent or disrupted protein product. Loss-of-function variants in PYGM are known to be pathogenic (PMID: 8316268, 16786513). This variant is not present in population databases (gnomAD no frequency). This variant has not been reported in the literature in individuals affected with PYGM-related conditions. ClinVar contains an entry for this variant (Variation ID: 970522). For these reasons, this variant has been classified as Pathogenic.

Fulgent Genetics
Classification: Likely pathogenic for Glycogen storage disease, type V. Last evaluated: 2024-02-02. Review status: criteria provided, single submitter. Criteria: ACMG Guidelines, 2015. Collection method: clinical testing. Allele origin: germline.

Baylor Genetics
Classification: Likely pathogenic for Glycogen storage disease, type V. Last evaluated: 2022-12-21. Review status: criteria provided, single submitter. Criteria: ACMG Guidelines, 2015. Collection method: clinical testing. Allele origin: unknown.

Literature cited by the submitters: PubMed 8316268 (cited by Labcorp Genetics (formerly Invitae), Labcorp); PubMed 16786513 (cited by Labcorp Genetics (formerly Invitae), Labcorp).

NM_005609.4(PYGM):c.2259dup (p.Lys754fs)

Gene: PYGM (glycogen phosphorylase, muscle associated; minus strand). Cytogenetic location: 11q13.1.
Variant type: Duplication.
Coding change: c.2259dup on transcript NM_005609.4 (MANE Select); coding-DNA position 2259, one base duplicated (C; older notation c.2259dupC).
Protein change: p.Lys754fs; shifts the reading frame from lysine 754.
Molecular consequence: frameshift variant.
Genome position (GRCh38, 1-based): chr11:64,747,277, G duplicated on the plus strand (C on the coding strand, the reverse complement: PYGM is on the minus strand); the first of 5 consecutive G bases (chr11:64,747,277-64,747,281); duplicating any one gives the same sequence. VCF-style (leftmost placement, unchanged base first): chr11-64747276-T-TG. GRCh37 (hg19) VCF-style: chr11-64514748-T-TG.
Other names: c.1995dup, p.Lys666fs (NM_001164716.1); c.2259dupC (NM_005609.3); short protein forms K666fs, K754fs.
Identifiers: ClinVar variation 970522 (VCV000970522.10), dbSNP rs1565531453, ClinGen allele CA918899326.